The following is an entry in ClinVar:

ClinVar aggregate classification (germline): Uncertain significance (1 of 4 stars; one submission).

Conditions:
Inborn genetic diseases. Identifiers: MedGen C0950123, MeSH D030342.

Submission:

Ambry Genetics
Classification: Uncertain significance for Inborn genetic diseases. Last evaluated: 2025-06-02. Review status: criteria provided, single submitter. Criteria: Ambry Variant Classification Scheme 2023. Collection method: clinical testing. Allele origin: germline.
Comment: The p.N528S variant (also known as c.1583A>G), located in coding exon 15 of the DDX41 gene, results from an A to G substitution at nucleotide position 1583. The asparagine at codon 528 is replaced by serine, an amino acid with highly similar properties. This amino acid position is conserved. In addition, this alteration is predicted to be tolerated by in silico analysis. Based on the available evidence, the clinical significance of this variant remains unclear.

NM_016222.4(DDX41):c.1583A>G (p.Asn528Ser)

Gene: DDX41 (DEAD-box helicase 41; minus strand). Cytogenetic location: 5q35.3.
Variant type: single nucleotide variant.
Coding change: c.1583A>G on transcript NM_016222.4 (MANE Select); coding-DNA position 1583, A replaced by G.
Protein change: p.Asn528Ser; replaces asparagine 528 with serine.
Molecular consequence: missense variant.
Genome position (GRCh38, 1-based): chr5:177,512,360, T>C on the plus strand (A>G on the coding strand, the complement: DDX41 is on the minus strand). VCF-style: chr5-177512360-T-C. GRCh37 (hg19) VCF-style: chr5-176939361-T-C.
Other names: c.1205A>G, p.Asn402Ser (NM_001321732.2, NM_001321830.2); short protein forms N402S, N528S.
Identifiers: ClinVar variation 4010377 (VCV004010377.1).